The following is an entry in ClinVar:

NM_000428.3(LTBP2):c.2692G>A (p.Gly898Arg)

Gene: LTBP2 (latent transforming growth factor beta binding protein 2; minus strand). Cytogenetic location: 14q24.3.
Variant type: single nucleotide variant.
Coding change: c.2692G>A on transcript NM_000428.3 (MANE Select); coding-DNA position 2692, G replaced by A.
Protein change: p.Gly898Arg; replaces glycine 898 with arginine.
Molecular consequence: missense variant.
Genome position (GRCh38, 1-based): chr14:74,522,007, C>T on the plus strand (G>A on the coding strand, the complement: LTBP2 is on the minus strand). VCF-style: chr14-74522007-C-T. GRCh37 (hg19) VCF-style: chr14-74988710-C-T.
Other names: short protein forms G898R.
Identifiers: ClinVar variation 1394990 (VCV001394990.4), dbSNP rs1208099717, ClinGen allele CA390392066.

ClinVar aggregate classification (germline): Uncertain significance (1 of 4 stars; one submission).

Submission:

Labcorp Genetics (formerly Invitae), Labcorp
Classification: Uncertain significance. Last evaluated: 2022-07-12. Review status: criteria provided, single submitter. Criteria: Invitae Variant Classification Sherloc (09022015). Collection method: clinical testing. Allele origin: germline.
Comment: In summary, the available evidence is currently insufficient to determine the role of this variant in disease. Therefore, it has been classified as a Variant of Uncertain Significance. Algorithms developed to predict the effect of missense changes on protein structure and function (SIFT, PolyPhen-2, Align-GVGD) all suggest that this variant is likely to be disruptive. ClinVar contains an entry for this variant (Variation ID: 1394990). This variant has not been reported in the literature in individuals affected with LTBP2-related conditions. This variant is not present in population databases (gnomAD no frequency). This sequence change replaces glycine, which is neutral and non-polar, with arginine, which is basic and polar, at codon 898 of the LTBP2 protein (p.Gly898Arg).